The following is an entry in ClinVar:

NM_022124.6(CDH23):c.1753-7C>T

Gene: CDH23 (cadherin related 23; plus strand). Cytogenetic location: 10q22.1.
Variant type: single nucleotide variant.
Coding change: c.1753-7C>T on transcript NM_022124.6 (MANE Select); 7 bases into the intron before coding-DNA position 1753, C replaced by T.
Molecular consequence: intron variant.
Genome position (GRCh38, 1-based): chr10:71,679,380, C>T. VCF-style: chr10-71679380-C-T. GRCh37 (hg19) VCF-style: chr10-73439137-C-T.
Other names: c.1753-7C>T (NM_001171930.2, NM_001171931.2).
Identifiers: ClinVar variation 682039 (VCV000682039.10), dbSNP rs376279713, ClinGen allele CA5543954.

ClinVar aggregate classification (germline): Likely benign. Review status: criteria provided, multiple submitters, no conflicts (2 of 4 stars). 3 submissions from 3 submitters: Likely benign (3). Last evaluated 2024-11-11.

Allele frequency attached by ClinVar (database versions not stated): gnomAD exomes below 0.00001 and 0.00002; ExAC 0.00002; gnomAD 0.00002 and 0.00003; TOPMed 0.00003; ESP Exome Variant Server 0.00008.
gnomAD v4.1: 27 of 1,605,944 alleles (0.0017%); highest among the groups gnomAD compares: Non-Finnish European, 0.0023%; no homozygotes.

Submissions (3):

Labcorp Genetics (formerly Invitae), Labcorp
Classification: Likely benign. Last evaluated: 2024-11-11. Review status: criteria provided, single submitter. Criteria: Invitae Variant Classification Sherloc (09022015). Collection method: clinical testing. Allele origin: germline.

Blueprint Genetics
Classification: Likely benign. Last evaluated: 2024-10-16. Review status: criteria provided, single submitter. Criteria: ACMG Guidelines, 2015. Collection method: clinical testing. Allele origin: germline.

GeneDx
Classification: Likely benign. Last evaluated: 2018-04-24. Review status: criteria provided, single submitter. Criteria: GeneDx Variant Classification (06012015). Collection method: clinical testing. Allele origin: germline. Affected: yes.
Comment: This variant is considered likely benign or benign based on one or more of the following criteria: it is a conservative change, it occurs at a poorly conserved position in the protein, it is predicted to be benign by multiple in silico algorithms, and/or has population frequency not consistent with disease.